The following is an entry in ClinVar:

ClinVar aggregate classification (germline): Conflicting classifications of pathogenicity. Review status: criteria provided, conflicting classifications (1 of 4 stars). 4 submissions from 4 submitters: Uncertain significance (1); Likely benign (2). 1 of the submissions does not count toward it. Last evaluated 2026-01-04.

Conditions:
NPHP4-related disorder. Also called: NPHP4-related disorders; NPHP4-related condition. Identifiers: MedGen CN239384.
Nephronophthisis. Also called: Juvenile Nephronophthisis. Identifiers: Orphanet 655, MedGen C0687120, MONDO:0019005, HP:0000090.

Allele frequency attached by ClinVar (database versions not stated): gnomAD 0.00005 and 0.00006; TOPMed 0.00005; gnomAD exomes 0.00011; ExAC 0.00014; 1000 Genomes Project 0.00040; 1000 Genomes Project 30x 0.00047.
gnomAD v4.1: 120 of 1,613,430 alleles (0.0074%); highest among the groups gnomAD compares: East Asian, 0.22%; no homozygotes.

Submissions (4):

Labcorp Genetics (formerly Invitae), Labcorp
Classification: Likely benign for Nephronophthisis. Last evaluated: 2026-01-04. Review status: criteria provided, single submitter. Criteria: Invitae Variant Classification Sherloc (09022015). Collection method: clinical testing. Allele origin: germline.

Blueprint Genetics
Classification: Likely benign. Last evaluated: 2023-09-15. Review status: criteria provided, single submitter. Criteria: ACMG Guidelines, 2015. Collection method: clinical testing. Allele origin: germline.

Eurofins Ntd Llc (ga)
Classification: Uncertain significance. Last evaluated: 2018-09-12. Review status: criteria provided, single submitter. Criteria: EGL ClinVar v180209 classification definitions. Collection method: clinical testing. Allele origin: germline. Observed: 1 variant allele, 1 heterozygote.

PreventionGenetics, part of Exact Sciences
Classification: Likely benign for NPHP4-related condition. Last evaluated: 2019-11-20. Review status: no assertion criteria provided. Collection method: clinical testing. Allele origin: germline. Not counted in ClinVar's aggregate classification.
Comment: This variant is classified as likely benign based on ACMG/AMP sequence variant interpretation guidelines (Richards et al. 2015 PMID: 25741868, with internal and published modifications).

NM_015102.5(NPHP4):c.1851C>T (p.Ala617=)

Gene: NPHP4 (nephrocystin 4; minus strand). Cytogenetic location: 1p36.31.
Variant type: single nucleotide variant.
Coding change: c.1851C>T on transcript NM_015102.5 (MANE Select); coding-DNA position 1851, C replaced by T.
Protein change: p.Ala617=; no amino-acid change (alanine 617 retained).
Molecular consequence: synonymous variant. On other transcripts: non-coding transcript variant (1).
Genome position (GRCh38, 1-based): chr1:5,905,396, G>A on the plus strand (C>T on the coding strand, the complement: NPHP4 is on the minus strand). VCF-style: chr1-5905396-G-A. GRCh37 (hg19) VCF-style: chr1-5965456-G-A.
Other names: c.312C>T, p.Ala104= (NM_001291593.2); c.315C>T, p.Ala105= (NM_001291594.2).
Identifiers: ClinVar variation 598697 (VCV000598697.18), dbSNP rs201192584, ClinGen allele CA554347.